The following is an entry in ClinVar:

ClinVar aggregate classification (germline): Benign (0 of 4 stars; one submission).

Conditions:
PTPRF-related disorder. Also called: PTPRF-related condition.

Allele frequency attached by ClinVar (database versions not stated): ESP Exome Variant Server 0.00008; gnomAD 0.00096; gnomAD exomes 0.00096; TOPMed 0.00151; ExAC 0.00232; 1000 Genomes Project 0.00240; 1000 Genomes Project 30x 0.00297.
gnomAD v4.1: 1,472 of 1,556,088 alleles (0.095%); highest among the groups gnomAD compares: East Asian, 1.9%; 23 homozygotes.

Submission:

PreventionGenetics, part of Exact Sciences
Classification: Benign for PTPRF-related condition. Last evaluated: 2019-07-09. Review status: no assertion criteria provided. Collection method: clinical testing. Allele origin: germline.
Comment: This variant is classified as benign based on ACMG/AMP sequence variant interpretation guidelines (Richards et al. 2015 PMID: 25741868, with internal and published modifications).

NM_002840.5(PTPRF):c.1349A>G (p.Tyr450Cys)

Gene: PTPRF (protein tyrosine phosphatase receptor type F; plus strand). Cytogenetic location: 1p34.2.
Variant type: single nucleotide variant.
Coding change: c.1349A>G on transcript NM_002840.5 (MANE Select); coding-DNA position 1349, A replaced by G.
Protein change: p.Tyr450Cys; replaces tyrosine 450 with cysteine.
Molecular consequence: missense variant.
Genome position (GRCh38, 1-based): chr1:43,591,371, A>G. VCF-style: chr1-43591371-A-G. GRCh37 (hg19) VCF-style: chr1-44057042-A-G.
Other names: c.1367A>G, p.Tyr456Cys (NM_001329137.2); c.1379A>G, p.Tyr460Cys (NM_001329138.2); c.1349A>G, p.Tyr450Cys (NM_001329139.2, NM_001329140.2, NM_130440.4); short protein forms Y450C, Y456C, Y460C.
Identifiers: ClinVar variation 3050031 (VCV003050031.2), dbSNP rs3748796, ClinGen allele CA812096.